The following is an entry in ClinVar:

NM_172364.5(CACNA2D4):c.1705G>T (p.Asp569Tyr)

Gene: CACNA2D4 (calcium voltage-gated channel auxiliary subunit alpha2delta 4; minus strand). Cytogenetic location: 12p13.33.
Variant type: single nucleotide variant.
Coding change: c.1705G>T on transcript NM_172364.5 (MANE Select); coding-DNA position 1705, G replaced by T.
Protein change: p.Asp569Tyr; replaces aspartic acid 569 with tyrosine.
Molecular consequence: missense variant.
Genome position (GRCh38, 1-based): chr12:1,878,329, C>A on the plus strand (G>T on the coding strand, the complement: CACNA2D4 is on the minus strand). VCF-style: chr12-1878329-C-A. GRCh37 (hg19) VCF-style: chr12-1987495-C-A.
Other names: short protein forms D569Y.
Identifiers: ClinVar variation 1994869 (VCV001994869.4), dbSNP rs770007640, ClinGen allele CA383353371.
Genomic context (GRCh38, chr12:1,878,329, plus strand): 5'-AATCCCATACAGTAAGGATCCCAAGGCAAAGAAGATCTGTACCTACCAGGGGCCGGAGGT[C>A]GGGATGGGAGAGGATGTAGCCATTGTTGGTGTTCAGAAAGGCGTATCCGTGCACTCCAAG-3'
Protein context (NP_758952.4, residues 559-579): TNNGYILSHP[Asp569Tyr]LRPLYREGKK

ClinVar aggregate classification (germline): Uncertain significance (1 of 4 stars; one submission).

gnomAD v4.1: 1 of 1,609,540 alleles (0.000062%); highest among the groups gnomAD compares: Non-Finnish European, 0.000085%; no homozygotes.

Submission:

Labcorp Genetics (formerly Invitae), Labcorp
Classification: Uncertain significance. Last evaluated: 2022-05-15. Review status: criteria provided, single submitter. Criteria: Invitae Variant Classification Sherloc (09022015). Collection method: clinical testing. Allele origin: germline.
Comment: This sequence change replaces aspartic acid, which is acidic and polar, with tyrosine, which is neutral and polar, at codon 569 of the CACNA2D4 protein (p.Asp569Tyr). This variant is not present in population databases (gnomAD no frequency). This variant has not been reported in the literature in individuals affected with CACNA2D4-related conditions. Algorithms developed to predict the effect of missense changes on protein structure and function are either unavailable or do not agree on the potential impact of this missense change (SIFT: "Deleterious"; PolyPhen-2: "Probably Damaging"; Align-GVGD: "Class C15"). In summary, the available evidence is currently insufficient to determine the role of this variant in disease. Therefore, it has been classified as a Variant of Uncertain Significance.